The following is an entry in ClinVar:

NM_005340.7(HINT1):c.289G>A (p.Val97Met)

Gene: HINT1 (histidine triad nucleotide binding protein 1; minus strand). Cytogenetic location: 5q23.3.
Variant type: single nucleotide variant.
Coding change: c.289G>A on transcript NM_005340.7 (MANE Select); coding-DNA position 289, G replaced by A.
Protein change: p.Val97Met; replaces valine 97 with methionine.
Molecular consequence: missense variant. On other transcripts: non-coding transcript variant (5).
Genome position (GRCh38, 1-based): chr5:131,159,539, C>T on the plus strand (G>A on the coding strand, the complement: HINT1 is on the minus strand). VCF-style: chr5-131159539-C-T. GRCh37 (hg19) VCF-style: chr5-130495232-C-T.
Other names: short protein forms V97M.
Identifiers: ClinVar variation 545660 (VCV000545660.4), dbSNP rs1554088064, ClinGen allele CA360838207.

ClinVar aggregate classification (germline): Likely pathogenic (1 of 4 stars; one submission).

Conditions:
Autosomal recessive axonal neuropathy with neuromyotonia (NMAN). Also called: Gamstorp-Wohlfart syndrome; MYOKYMIA, MYOTONIA, AND MUSCLE WASTING; Neuromyotonia and axonal neuropathy, autosomal recessive. Identifiers: Orphanet 324442, MedGen C5700127, MONDO:0007646, OMIM 137200.

Submission:

Neuromuscular Group, Huashan Hospital, Fudan University
Classification: Likely pathogenic for Autosomal recessive axonal neuropathy with neuromyotonia. Last evaluated: 2018-03-29. Review status: criteria provided, single submitter. Criteria: ACMG Guidelines, 2015. Collection method: clinical testing. Allele origin: germline. Inheritance: Autosomal recessive inheritance. Affected: yes. Observed: 1 variant allele, 1 homozygote.